The following is an entry in ClinVar:

ClinVar aggregate classification (germline): Uncertain significance (1 of 4 stars; one submission).

Conditions:
Inborn genetic diseases. Identifiers: MedGen C0950123, MeSH D030342.

Submission:

Ambry Genetics
Classification: Uncertain significance for Inborn genetic diseases. Last evaluated: 2026-07-20. Review status: criteria provided, single submitter. Criteria: Ambry Variant Classification Scheme 2023. Collection method: clinical testing. Allele origin: germline.
Comment: The p.T342A variant (also known as c.1024A>G), located in coding exon 8 of the FANCG gene, results from an A to G substitution at nucleotide position 1024. The threonine at codon 342 is replaced by alanine, an amino acid with similar properties. This amino acid position is conserved. In addition, this alteration is predicted to be tolerated by in silico analysis. Based on the available evidence, the clinical significance of this variant remains unclear.

NM_004629.2(FANCG):c.1024A>G (p.Thr342Ala)

Gene: FANCG (FA complementation group G; minus strand). Cytogenetic location: 9p13.3.
Variant type: single nucleotide variant.
Coding change: c.1024A>G on transcript NM_004629.2 (MANE Select); coding-DNA position 1024, A replaced by G.
Protein change: p.Thr342Ala; replaces threonine 342 with alanine.
Molecular consequence: missense variant.
Genome position (GRCh38, 1-based): chr9:35,076,484, T>C on the plus strand (A>G on the coding strand, the complement: FANCG is on the minus strand). VCF-style: chr9-35076484-T-C. GRCh37 (hg19) VCF-style: chr9-35076481-T-C.
Other names: short protein forms T342A.
Identifiers: ClinVar variation 5036515 (VCV005036515.1).
Genomic context (GRCh38, chr9:35,076,484, plus strand): 5'-AACCTCACCTCCCCGTCTGTAGGCACCTGCTTGCTAGTATGTGCTTGGTCTGGCTCTGAG[T>C]GCCACAATGAAGGGGTGAGGCTAGGTCAGGTGGTGGCAGTAGTAATTCTACCTCAATGAG-3'
Protein context (NP_004620.1, residues 332-352): PDLASPLHCG[Thr342Ala]QSQTKHILAS